The following is an entry in ClinVar:

NM_001042492.3(NF1):c.6935A>C (p.His2312Pro)

Gene: NF1 (neurofibromin 1; plus strand). Cytogenetic location: 17q11.2.
Variant type: single nucleotide variant.
Coding change: c.6935A>C on transcript NM_001042492.3 (MANE Select); coding-DNA position 6935, A replaced by C.
Protein change: p.His2312Pro; replaces histidine 2312 with proline.
Molecular consequence: missense variant.
Genome position (GRCh38, 1-based): chr17:31,340,518, A>C. VCF-style: chr17-31340518-A-C. GRCh37 (hg19) VCF-style: chr17-29667536-A-C.
Other names: c.6872A>C, p.His2291Pro (NM_000267.4); short protein forms H2291P, H2312P.
Identifiers: ClinVar variation 1693426 (VCV001693426.2), dbSNP rs2151561492, ClinGen allele CA399014865.

ClinVar aggregate classification (germline): Uncertain significance (1 of 4 stars; one submission).

Submission:

GeneDx
Classification: Uncertain significance. Last evaluated: 2022-01-04. Review status: criteria provided, single submitter. Criteria: GeneDx Variant Classification Process June 2021. Collection method: clinical testing. Allele origin: germline. Affected: yes.
Comment: Not observed at significant frequency in large population cohorts (gnomAD); In silico analysis supports that this missense variant has a deleterious effect on protein structure/function; Has not been previously published as pathogenic or benign to our knowledge